The following is an entry in ClinVar:

ClinVar aggregate classification (germline): Uncertain significance (1 of 4 stars; one submission).

Conditions:
CDKL5 disorder. Identifiers: MedGen CN296942, MONDO:0100039.

Submission:

Centre for Population Genomics, CPG
Classification: Uncertain significance for CDKL5 disorder. Last evaluated: 2024-07-23. Review status: criteria provided, single submitter. Criteria: McKnight et al. (Hum Mutat. 2022). Collection method: curation. Allele origin: germline. Inheritance: X-linked inheritance.
Comment: This variant has been collected from RettBASE and curated to current modified ACMG/AMP criteria. Based on the classification scheme defined by the ClinGen Rett/Angelman-like Expert Panel for Rett/AS-like Disorders Specifications to the ACMG/AMP Variant Interpretation Guidelines VCEP 3.0, this variant is classified as a variant of uncertain significance. At least the following criteria are met: Computational prediction analysis tools suggests a deleterious impact (REVEL score>= 0.75) (PP3). This variant is absent from gnomAD v4 (PM2_Supporting).

NM_001323289.2(CDKL5):c.404A>G (p.Asp135Gly)

Gene: CDKL5 (cyclin dependent kinase like 5; plus strand). Cytogenetic location: Xp22.13.
Variant type: single nucleotide variant.
Coding change: c.404A>G on transcript NM_001323289.2 (MANE Select); coding-DNA position 404, A replaced by G.
Protein change: p.Asp135Gly; replaces aspartic acid 135 with glycine.
Molecular consequence: missense variant.
Genome position (GRCh38, 1-based): chrX:18,581,891, A>G. VCF-style: chrX-18581891-A-G. GRCh37 (hg19) VCF-style: chrX-18600011-A-G.
Other names: NM_003159.3:c.404A>G; c.404A>G, p.Asp135Gly (NM_001037343.2, NM_003159.3); short protein forms D135G.
Identifiers: ClinVar variation 3344018 (VCV003344018.1).
Genomic context (GRCh38, chrX:18,581,891, plus strand): 5'-GTGTCAATCAGGAGAACATAGAACATTTTTACTAATTTTTTTTTTATCTTGACACTCCAG[A>G]TATAAAACCAGAAAATCTCTTAATCAGCCACAATGATGTCCTAAAACTGTGTGACTTTGG-3'
Protein context (NP_001310218.1, residues 125-145): WCHKNDIVHR[Asp135Gly]IKPENLLISH